The following is an entry in ClinVar:

ClinVar aggregate classification (germline): Uncertain significance (1 of 4 stars; one submission).

Conditions:
Inborn genetic diseases. Identifiers: MedGen C0950123, MeSH D030342.

Submission:

Ambry Genetics
Classification: Uncertain significance for Inborn genetic diseases. Last evaluated: 2024-04-30. Review status: criteria provided, single submitter. Criteria: Ambry Variant Classification Scheme 2023. Collection method: clinical testing. Allele origin: germline.
Comment: The p.L145H variant (also known as c.434T>A), located in coding exon 4 of the ATR gene, results from a T to A substitution at nucleotide position 434. The leucine at codon 145 is replaced by histidine, an amino acid with similar properties. This amino acid position is conserved. In addition, this alteration is predicted to be deleterious by in silico analysis. Based on the available evidence, the clinical significance of this variant remains unclear.

NM_001184.4(ATR):c.434T>A (p.Leu145His)

Gene: ATR (ATR serine/threonine kinase; minus strand). Cytogenetic location: 3q23.
Variant type: single nucleotide variant.
Coding change: c.434T>A on transcript NM_001184.4 (MANE Select); coding-DNA position 434, T replaced by A.
Protein change: p.Leu145His; replaces leucine 145 with histidine.
Molecular consequence: missense variant.
Genome position (GRCh38, 1-based): chr3:142,562,968, A>T on the plus strand (T>A on the coding strand, the complement: ATR is on the minus strand). VCF-style: chr3-142562968-A-T. GRCh37 (hg19) VCF-style: chr3-142281810-A-T.
Other names: c.434T>A, p.Leu145His (NM_001354579.2); short protein forms L145H.
Identifiers: ClinVar variation 3331766 (VCV003331766.1).